The following is an entry in ClinVar:

ClinVar aggregate classification (germline): Pathogenic. Review status: reviewed by expert panel (3 of 4 stars). 3 submissions from 3 submitters: Pathogenic (1). 2 of the submissions do not count toward it. Last evaluated 2016-09-08.

Conditions:
Hereditary breast ovarian cancer syndrome. Also called: Hereditary breast and ovarian cancer syndrome; Hereditary breast and ovarian cancer; Hereditary breast and ovarian cancer syndrome (HBOC); Breast and ovarian cancer; Hereditary breast and/or ovarian cancer syndrome; BRCA1- and BRCA2-Associated Hereditary Breast and Ovarian Cancer. Identifiers: Orphanet 145, MedGen C0677776, MeSH D061325, MONDO:0003582. Disease mechanism: loss of function.
Breast-ovarian cancer, familial, susceptibility to, 2 (BROVCA2). Also called: BRCA2 Hereditary Breast and Ovarian Cancer. Identifiers: Orphanet 145, MedGen C2675520, MONDO:0012933, OMIM 612555. Disease mechanism: loss of function.

Submissions (3):

Evidence-based Network for the Interpretation of Germline Mutant Alleles (ENIGMA)
Classification: Pathogenic for Breast-ovarian cancer, familial, susceptibility to, 2. Last evaluated: 2016-09-08. Review status: reviewed by expert panel. Criteria: ENIGMA BRCA1/2 Classification Criteria (2015). Collection method: curation. Allele origin: germline.
Comment: Variant allele predicted to encode a truncated non-functional protein.

Labcorp Genetics (formerly Invitae), Labcorp
Classification: Pathogenic for Hereditary breast ovarian cancer syndrome. Last evaluated: 2022-02-02. Review status: criteria provided, single submitter. Criteria: Invitae Variant Classification Sherloc (09022015). Collection method: clinical testing. Allele origin: germline. Not counted in ClinVar's aggregate classification.
Comment: This variant is not present in population databases (gnomAD no frequency). For these reasons, this variant has been classified as Pathogenic. ClinVar contains an entry for this variant (Variation ID: 52724). This premature translational stop signal has been observed in individual(s) with medulloblastoma (PMID: 26580448). This sequence change creates a premature translational stop signal (p.Leu3000*) in the BRCA2 gene. It is expected to result in an absent or disrupted protein product. Loss-of-function variants in BRCA2 are known to be pathogenic (PMID: 20104584).

Breast Cancer Information Core (BIC) (BRCA2)
Classification: Pathogenic for Breast-ovarian cancer, familial 2. Last evaluated: 2002-05-29. Review status: no assertion criteria provided. Collection method: clinical testing. Allele origin: germline. Affected: yes. Observed: 3 variant alleles. Not counted in ClinVar's aggregate classification.

Literature cited by the submitters: PubMed 26580448 (cited by Labcorp Genetics (formerly Invitae), Labcorp); PubMed 20104584 (cited by Labcorp Genetics (formerly Invitae), Labcorp).

NM_000059.4(BRCA2):c.8999T>A (p.Leu3000Ter)

Gene: BRCA2 (BRCA2 DNA repair associated; plus strand). Cytogenetic location: 13q13.1.
Variant type: single nucleotide variant.
Coding change: c.8999T>A on transcript NM_000059.4 (MANE Select); coding-DNA position 8999, T replaced by A.
Protein change: p.Leu3000Ter; replaces leucine 3000 with a stop codon.
Molecular consequence: nonsense.
Genome position (GRCh38, 1-based): chr13:32,379,795, T>A. VCF-style: chr13-32379795-T-A. GRCh37 (hg19) VCF-style: chr13-32953932-T-A.
Other names: short protein forms L3000*.
Identifiers: ClinVar variation 52724 (VCV000052724.10), dbSNP rs80359151, ClinGen allele CA025918.